The following is an entry in ClinVar:

ClinVar aggregate classification (germline): Uncertain significance. Review status: criteria provided, multiple submitters, no conflicts (2 of 4 stars). 2 submissions from 2 submitters: Uncertain significance (2). Last evaluated 2024-05-20.

Allele frequency attached by ClinVar (database versions not stated): gnomAD 0.00001; 1000 Genomes Project 30x 0.00016; 1000 Genomes Project 0.00020.

Submissions (2):

Labcorp Genetics (formerly Invitae), Labcorp
Classification: Uncertain significance. Last evaluated: 2024-05-20. Review status: criteria provided, single submitter. Criteria: Invitae Variant Classification Sherloc (09022015). Collection method: clinical testing. Allele origin: germline.
Comment: This sequence change replaces alanine, which is neutral and non-polar, with threonine, which is neutral and polar, at codon 1607 of the POLR1A protein (p.Ala1607Thr). This variant is present in population databases (rs201345115, gnomAD 0.002%). This variant has not been reported in the literature in individuals affected with POLR1A-related conditions. ClinVar contains an entry for this variant (Variation ID: 1429701). Advanced modeling of protein sequence and biophysical properties (such as structural, functional, and spatial information, amino acid conservation, physicochemical variation, residue mobility, and thermodynamic stability) performed at Invitae indicates that this missense variant is not expected to disrupt POLR1A protein function with a negative predictive value of 80%. In summary, the available evidence is currently insufficient to determine the role of this variant in disease. Therefore, it has been classified as a Variant of Uncertain Significance.

Blueprint Genetics
Classification: Uncertain significance. Last evaluated: 2022-07-28. Review status: criteria provided, single submitter. Criteria: ACMG Guidelines, 2015. Collection method: clinical testing. Allele origin: germline.

NM_015425.6(POLR1A):c.4819G>A (p.Ala1607Thr)

Gene: POLR1A (RNA polymerase I subunit A; minus strand). Cytogenetic location: 2p11.2.
Variant type: single nucleotide variant.
Coding change: c.4819G>A on transcript NM_015425.6 (MANE Select); coding-DNA position 4819, G replaced by A.
Protein change: p.Ala1607Thr; replaces alanine 1607 with threonine.
Molecular consequence: missense variant.
Genome position (GRCh38, 1-based): chr2:86,028,672, C>T on the plus strand (G>A on the coding strand, the complement: POLR1A is on the minus strand). VCF-style: chr2-86028672-C-T. GRCh37 (hg19) VCF-style: chr2-86255795-C-T.
Other names: short protein forms A1607T.
Identifiers: ClinVar variation 1429701 (VCV001429701.9), dbSNP rs201345115, ClinGen allele CA1745375.